The following is an entry in ClinVar:

ClinVar aggregate classification (germline): Uncertain significance (1 of 4 stars; one submission).

Allele frequency attached by ClinVar (database versions not stated): gnomAD 0.00001; TOPMed 0.00001; gnomAD exomes 0.00003; ExAC 0.00008.
gnomAD v4.1: 44 of 1,611,620 alleles (0.0027%); highest among the groups gnomAD compares: South Asian, 0.0066%; no homozygotes.

Submission:

Labcorp Genetics (formerly Invitae), Labcorp
Classification: Uncertain significance. Last evaluated: 2023-11-27. Review status: criteria provided, single submitter. Criteria: Invitae Variant Classification Sherloc (09022015). Collection method: clinical testing. Allele origin: germline.
Comment: This sequence change replaces serine, which is neutral and polar, with leucine, which is neutral and non-polar, at codon 733 of the PLEKHM2 protein (p.Ser733Leu). This variant is present in population databases (rs201352928, gnomAD 0.01%). This variant has not been reported in the literature in individuals affected with PLEKHM2-related conditions. An algorithm developed to predict the effect of missense changes on protein structure and function (PolyPhen-2) suggests that this variant is likely to be tolerated. In summary, the available evidence is currently insufficient to determine the role of this variant in disease. Therefore, it has been classified as a Variant of Uncertain Significance.

NM_015164.4(PLEKHM2):c.2198C>T (p.Ser733Leu)

Gene: PLEKHM2 (pleckstrin homology and RUN domain containing M2; plus strand). Cytogenetic location: 1p36.21.
Variant type: single nucleotide variant.
Coding change: c.2198C>T on transcript NM_015164.4 (MANE Select); coding-DNA position 2198, C replaced by T.
Protein change: p.Ser733Leu; replaces serine 733 with leucine.
Molecular consequence: missense variant.
Genome position (GRCh38, 1-based): chr1:15,729,919, C>T. VCF-style: chr1-15729919-C-T. GRCh37 (hg19) VCF-style: chr1-16056414-C-T.
Other names: c.2138C>T, p.Ser713Leu (NM_001410755.1); short protein forms S733L, S713L.
Identifiers: ClinVar variation 2997922 (VCV002997922.3), dbSNP rs201352928, ClinGen allele CA617159.